The following is an entry in ClinVar:

ClinVar aggregate classification (germline): Benign/Likely benign. Review status: criteria provided, multiple submitters, no conflicts (2 of 4 stars). 7 submissions from 7 submitters: Benign (5); Likely benign (1). 1 of the submissions does not count toward it. Last evaluated 2026-02-01.

Conditions:
LRP2-related disorder. Also called: LRP2-related condition.
Donnai-Barrow syndrome. Also called: DBS/FOAR SYNDROME; FACIOOCULOACOUSTICORENAL SYNDROME. Identifiers: Orphanet 2143, MedGen C1857277, MONDO:0009104, OMIM 222448.

Allele frequency attached by ClinVar (database versions not stated): ESP Exome Variant Server 0.00023; gnomAD 0.00040 and 0.00083; TOPMed 0.00066; gnomAD exomes 0.00132 and 0.00238; ExAC 0.00255; 1000 Genomes Project 30x 0.00265; 1000 Genomes Project 0.00280.
gnomAD v4.1: 2,077 of 1,613,904 alleles (0.13%); highest among the groups gnomAD compares: South Asian, 1.5%; 31 homozygotes.

Submissions (7):

Labcorp Genetics (formerly Invitae), Labcorp
Classification: Benign. Last evaluated: 2026-02-01. Review status: criteria provided, single submitter. Criteria: Invitae Variant Classification Sherloc (09022015). Collection method: clinical testing. Allele origin: germline.

CeGaT Center for Human Genetics Tuebingen
Classification: Benign. Last evaluated: 2024-07-01. Review status: criteria provided, single submitter. Criteria: CeGaT Center For Human Genetics Tuebingen Variant Classification Criteria Version 2. Collection method: clinical testing. Allele origin: germline. Affected: yes. Observed: 3 variant alleles.
Comment: LRP2: BP4, BP7, BS1, BS2

Fulgent Genetics
Classification: Likely benign for Donnai-Barrow syndrome. Last evaluated: 2021-09-30. Review status: criteria provided, single submitter. Criteria: ACMG Guidelines, 2015. Collection method: clinical testing. Allele origin: unknown.

Genome-Nilou Lab
Classification: Benign for Donnai-Barrow syndrome. Last evaluated: 2021-07-15. Review status: criteria provided, single submitter. Criteria: ACMG Guidelines, 2015. Collection method: clinical testing. Allele origin: germline. Affected: no.

Illumina Laboratory Services, Illumina
Classification: Benign for Donnai-Barrow syndrome. Last evaluated: 2018-01-13. Review status: criteria provided, single submitter. Criteria: ICSL Variant Classification Criteria 13 December 2019. Collection method: clinical testing. Allele origin: germline.
Comment: This variant was observed in the ICSL laboratory as part of a predisposition screen in an ostensibly healthy population. It had not been previously curated by ICSL or reported in the Human Gene Mutation Database (HGMD: prior to June 1st, 2018), and was therefore a candidate for classification through an automated scoring system. Utilizing variant allele frequency, disease prevalence and penetrance estimates, and inheritance mode, an automated score was calculated to assess if this variant is too frequent to cause the disease. Based on the score and internal cut-off values, a variant classified as benign is not then subjected to further curation. The score for this variant resulted in a classification of benign for this disease.

Breakthrough Genomics
Classification: Benign. Review status: criteria provided, single submitter. Criteria: ACMG Guidelines, 2015. Collection method: not provided. Allele origin: germline. Inheritance: Autosomal recessive inheritance. Affected: yes.

PreventionGenetics, part of Exact Sciences
Classification: Benign for LRP2-related condition. Last evaluated: 2019-04-26. Review status: no assertion criteria provided. Collection method: clinical testing. Allele origin: germline. Not counted in ClinVar's aggregate classification.
Comment: This variant is classified as benign based on ACMG/AMP sequence variant interpretation guidelines (Richards et al. 2015 PMID: 25741868, with internal and published modifications).

NM_004525.3(LRP2):c.6048C>T (p.Ala2016=)

Gene: LRP2 (LDL receptor related protein 2; minus strand). Cytogenetic location: 2q31.1.
Variant type: single nucleotide variant.
Coding change: c.6048C>T on transcript NM_004525.3 (MANE Select); coding-DNA position 6048, C replaced by T.
Protein change: p.Ala2016=; no amino-acid change (alanine 2016 retained).
Molecular consequence: synonymous variant.
Genome position (GRCh38, 1-based): chr2:169,212,200, G>A on the plus strand (C>T on the coding strand, the complement: LRP2 is on the minus strand). VCF-style: chr2-169212200-G-A. GRCh37 (hg19) VCF-style: chr2-170068710-G-A.
Identifiers: ClinVar variation 332152 (VCV000332152.44), dbSNP rs144449508, ClinGen allele CA1954365.